The following is an entry in ClinVar:

NM_001649.4(SHROOM2):c.4152C>T (p.Pro1384=)

Gene: SHROOM2 (shroom family member 2; plus strand). Cytogenetic location: Xp22.2.
Variant type: single nucleotide variant.
Coding change: c.4152C>T on transcript NM_001649.4 (MANE Select); coding-DNA position 4152, C replaced by T.
Protein change: p.Pro1384=; no amino-acid change (proline 1384 retained).
Molecular consequence: synonymous variant.
Genome position (GRCh38, 1-based): chrX:9,939,207, C>T. VCF-style: chrX-9939207-C-T. GRCh37 (hg19) VCF-style: chrX-9907247-C-T.
Other names: c.657C>T, p.Pro219= (NM_001320663.2, NM_001320664.2); c.4152C>T (NM_001649.3).
Identifiers: ClinVar variation 2659959 (VCV002659959.25), dbSNP rs200100847, ClinGen allele CA10345901.

ClinVar aggregate classification (germline): Likely benign. Review status: criteria provided, single submitter (1 of 4 stars). 2 submissions from 2 submitters: Likely benign (1). 1 of the submissions does not count toward it. Last evaluated 2022-10-01.

Conditions:
SHROOM2-related disorder. Also called: SHROOM2-related condition.

Allele frequency attached by ClinVar (database versions not stated): TOPMed 0.00021; gnomAD 0.00024; 1000 Genomes Project 0.00026; gnomAD exomes 0.00027; ESP Exome Variant Server 0.00028; ExAC 0.00029; 1000 Genomes Project 30x 0.00042.
gnomAD v4.1: 323 of 1,204,322 alleles (0.027%); highest among the groups gnomAD compares: Middle Eastern, 0.047%; no homozygotes.

Submissions (2):

CeGaT Center for Human Genetics Tuebingen
Classification: Likely benign. Last evaluated: 2022-10-01. Review status: criteria provided, single submitter. Criteria: CeGaT Center For Human Genetics Tuebingen Variant Classification Criteria Version 2. Collection method: clinical testing. Allele origin: germline. Affected: yes. Observed: 2 variant alleles.
Comment: SHROOM2: BP4, BP7

PreventionGenetics, part of Exact Sciences
Classification: Likely benign for SHROOM2-related condition. Last evaluated: 2019-06-21. Review status: no assertion criteria provided. Collection method: clinical testing. Allele origin: germline. Not counted in ClinVar's aggregate classification.
Comment: This variant is classified as likely benign based on ACMG/AMP sequence variant interpretation guidelines (Richards et al. 2015 PMID: 25741868, with internal and published modifications).